The following is an entry in ClinVar:

NM_001384474.1(LOXHD1):c.5734G>T (p.Glu1912Ter)

Gene: LOXHD1 (lipoxygenase homology PLAT domains 1; minus strand). Cytogenetic location: 18q21.1.
Variant type: single nucleotide variant.
Coding change: c.5734G>T on transcript NM_001384474.1 (MANE Select); coding-DNA position 5734, G replaced by T.
Protein change: p.Glu1912Ter; replaces glutamic acid 1912 with a stop codon.
Molecular consequence: nonsense.
Genome position (GRCh38, 1-based): chr18:46,505,982, C>A on the plus strand (G>T on the coding strand, the complement: LOXHD1 is on the minus strand). VCF-style: chr18-46505982-C-A. GRCh37 (hg19) VCF-style: chr18-44085945-C-A.
Other names: c.2401G>T, p.Glu801Ter (NM_001145472.3); c.451G>T, p.Glu151Ter (NM_001145473.3, NM_001173129.2); c.2113G>T, p.Glu705Ter (NM_001308013.2); c.5548G>T, p.Glu1850Ter (NM_144612.7); short protein forms E151*, E1850*, E1912*, E705*, E801*.
Identifiers: ClinVar variation 4816843 (VCV004816843.2).

ClinVar aggregate classification (germline): Pathogenic/Likely pathogenic. Review status: criteria provided, multiple submitters, no conflicts (2 of 4 stars). 2 submissions from 2 submitters: Pathogenic (1); Likely pathogenic (1). Last evaluated 2026-01-14.

Conditions:
Autosomal recessive nonsyndromic hearing loss 77. Identifiers: Orphanet 90636, MedGen C2746083, MONDO:0013119, OMIM 613079.

Submissions (2):

Myriad Genetics, Inc.
Classification: Pathogenic for Autosomal recessive nonsyndromic hearing loss 77. Last evaluated: 2026-01-14. Review status: criteria provided, single submitter. Criteria: Myriad Autosomal Dominant, Autosomal Recessive and X-Linked Classification Criteria (2023). Collection method: clinical testing. Allele origin: unknown.
Comment: NM_144612.6(LOXHD1):c.5548G>T(E1850*) is expected to be pathogenic in the context of nonsyndromic hearing loss, LOXHD1-related. This variant is predicted to lead to an abnormal or absent protein product due to the creation of a premature termination codon in LOXHD1, a gene where loss-of-function variants are known to be pathogenic. Please note: this variant was assessed in the context of healthy population screening.

Natera, Inc.
Classification: Likely pathogenic for Autosomal recessive deafness type 77. Last evaluated: 2024-07-03. Review status: criteria provided, single submitter. Criteria: Natera Variant Classification Schema (03/2026). Collection method: clinical testing. Allele origin: germline.
Comment: The c.5548G>T variant in LOXHD1 is a nonsense variant predicted to introduce a stop codon at amino acid 1850. This variant is expected to result in nonsense mediated decay, truncation, or a dysfunctional protein product. This variant is rare in the general population with a frequency below the threshold expected for the associated phenotype(s). Given the available evidence, this variant is classified as Likely Pathogenic.